The following is an entry in ClinVar:

ClinVar aggregate classification (germline): Uncertain significance (1 of 4 stars; one submission).

Allele frequency attached by ClinVar (database versions not stated): ExAC 0.00002.
gnomAD v4.1: 4 of 1,612,502 alleles (0.00025%); highest among the groups gnomAD compares: Non-Finnish European, 0.00034%; no homozygotes.

Submission:

Labcorp Genetics (formerly Invitae), Labcorp
Classification: Uncertain significance. Last evaluated: 2022-08-19. Review status: criteria provided, single submitter. Criteria: Invitae Variant Classification Sherloc (09022015). Collection method: clinical testing. Allele origin: germline.
Comment: This variant is present in population databases (rs761822130, gnomAD 0.003%). This sequence change replaces arginine, which is basic and polar, with serine, which is neutral and polar, at codon 39 of the USH2A protein (p.Arg39Ser). This variant has not been reported in the literature in individuals affected with USH2A-related conditions. In summary, the available evidence is currently insufficient to determine the role of this variant in disease. Therefore, it has been classified as a Variant of Uncertain Significance. Algorithms developed to predict the effect of sequence changes on RNA splicing suggest that this variant may create or strengthen a splice site. Algorithms developed to predict the effect of missense changes on protein structure and function are either unavailable or do not agree on the potential impact of this missense change (SIFT: "Deleterious"; PolyPhen-2: "Possibly Damaging"; Align-GVGD: "Class C0").

NM_206933.4(USH2A):c.117G>C (p.Arg39Ser)

Gene: USH2A (usherin; minus strand). Cytogenetic location: 1q41.
Variant type: single nucleotide variant.
Coding change: c.117G>C on transcript NM_206933.4 (MANE Select); coding-DNA position 117, G replaced by C.
Protein change: p.Arg39Ser; replaces arginine 39 with serine.
Molecular consequence: missense variant.
Genome position (GRCh38, 1-based): chr1:216,422,220, C>G on the plus strand (G>C on the coding strand, the complement: USH2A is on the minus strand). VCF-style: chr1-216422220-C-G. GRCh37 (hg19) VCF-style: chr1-216595562-C-G.
Other names: c.117G>C, p.Arg39Ser (NM_007123.6); short protein forms R39S.
Identifiers: ClinVar variation 1949765 (VCV001949765.5), dbSNP rs761822130, ClinGen allele CA1396853.